The following is an entry in ClinVar:

ClinVar aggregate classification (germline): Pathogenic (1 of 4 stars; one submission).

Conditions:
Neuronal ceroid lipofuscinosis. Also called: Neuronal Ceroid Lipofuscinoses. Identifiers: Orphanet 216, Orphanet 79263, MedGen C0027877, MONDO:0016295. Disease mechanism: loss of function.

Submission:

Labcorp Genetics (formerly Invitae), Labcorp
Classification: Pathogenic for Neuronal ceroid lipofuscinosis. Last evaluated: 2023-12-08. Review status: criteria provided, single submitter. Criteria: Invitae Variant Classification Sherloc (09022015). Collection method: clinical testing. Allele origin: unknown.
Comment: This variant is a gross deletion of the genomic region encompassing exon(s) 11-14 of the CLN3 gene. This deletion is out-of-frame, and is expected to create a premature termination codon and result in an absent or disrupted protein product. Loss-of-function variants in CLN3 are known to be pathogenic (PMID: 9311735, 28542676). This variant has not been reported in the literature in individuals affected with CLN3-related conditions. For these reasons, this variant has been classified as Pathogenic.

Literature cited by the submitters: PubMed 9311735; PubMed 28542676.

NC_000016.9:g.(?_28493406)_(28494013_?)del

Gene: CLN3 (CLN3 lysosomal/endosomal transmembrane protein, battenin; minus strand). Cytogenetic location: 16p11.2.
Variant type: Deletion.
Identifiers: ClinVar variation 3243304 (VCV003243304.1).